The following is an entry in ClinVar:

ClinVar aggregate classification (germline): Uncertain significance (1 of 4 stars; one submission).

Conditions:
Hereditary breast ovarian cancer syndrome. Also called: Hereditary breast and ovarian cancer syndrome; Hereditary breast and ovarian cancer syndrome (HBOC); Hereditary breast and/or ovarian cancer syndrome; Hereditary breast and ovarian cancer; Breast and ovarian cancer; BRCA1- and BRCA2-Associated Hereditary Breast and Ovarian Cancer. Identifiers: Orphanet 145, MedGen C0677776, MeSH D061325, MONDO:0003582. Disease mechanism: loss of function.

Submission:

Labcorp Genetics (formerly Invitae), Labcorp
Classification: Uncertain significance for Hereditary breast ovarian cancer syndrome. Last evaluated: 2024-01-28. Review status: criteria provided, single submitter. Criteria: Invitae Variant Classification Sherloc (09022015). Collection method: clinical testing. Allele origin: germline.
Comment: This variant, c.8532_8546del, results in the deletion of 5 amino acid(s) of the BRCA2 protein (p.Arg2845_Lys2849del), but otherwise preserves the integrity of the reading frame. This variant is not present in population databases (gnomAD no frequency). This variant has not been reported in the literature in individuals affected with BRCA2-related conditions. Experimental studies and prediction algorithms are not available or were not evaluated, and the functional significance of this variant is currently unknown. In summary, the available evidence is currently insufficient to determine the role of this variant in disease. Therefore, it has been classified as a Variant of Uncertain Significance.

NM_000059.4(BRCA2):c.8532_8546del (p.Arg2845_Lys2849del)

Gene: BRCA2 (BRCA2 DNA repair associated; plus strand). Cytogenetic location: 13q13.1.
Variant type: Deletion.
Coding change: c.8532_8546del on transcript NM_000059.4 (MANE Select); coding-DNA positions 8532 to 8546, 15 bases deleted (AAGAGAGGAAGAAAA).
Protein change: p.Arg2845_Lys2849del.
Molecular consequence: inframe deletion. On other transcripts: non-coding transcript variant (1).
Genome position (GRCh38, 1-based): chr13:32,371,000-32,371,014, AAGAGAGGAAGAAAA deleted; deleting any 15 consecutive bases within chr13:32,370,999-32,371,014 gives the same sequence; the c. name uses the placement nearest the transcript's 3' end. VCF-style (leftmost placement, unchanged base first): chr13-32370998-GAAAGAGAGGAAGAAA-G. GRCh37 (hg19) VCF-style: chr13-32945135-GAAAGAGAGGAAGAAA-G.
Other names: c.8436_8450del, p.Arg2813_Lys2817del (NM_001406719.1); c.8532_8546del, p.Arg2845_Lys2849del (NM_001406720.1); c.3600_3614del, p.Arg1201_Lys1205del (NM_001406721.1); c.2115_2129del, p.Arg706_Lys710del (NM_001406722.1).
Identifiers: ClinVar variation 2713855 (VCV002713855.3), dbSNP rs2548550698, ClinGen allele CA2697551753.